The following is an entry in ClinVar:

ClinVar aggregate classification (germline): Pathogenic (1 of 4 stars; one submission).

Conditions:
Hereditary cancer-predisposing syndrome. Also called: Neoplastic Syndromes, Hereditary; Tumor predisposition; Hereditary Cancer Syndrome; Hereditary neoplastic syndrome. Identifiers: Orphanet 140162, MedGen C0027672, MeSH D009386, MONDO:0015356.

Submission:

Color Diagnostics, LLC DBA Color Health
Classification: Pathogenic for Hereditary cancer-predisposing syndrome. Last evaluated: 2019-09-09. Review status: criteria provided, single submitter. Criteria: ACMG Guidelines, 2015. Collection method: clinical testing. Allele origin: germline.
Comment: This variant deletes 3 nucleotides and inserts 2 nucleotides in exon 9 of the MSH6 gene, creating a frameshift and premature translation stop signal. Splice site prediction tools suggest that this variant may not impact RNA splicing. To our knowledge, functional studies have not been performed for this variant. This variant has not been reported in individuals affected with hereditary cancer in the literature. This variant has not been identified in the general population by the Genome Aggregation Database (gnomAD). Loss of MSH6 function is a known mechanism of disease. Based on the available evidence, this variant is classified as Pathogenic.

NM_000179.3(MSH6):c.3933_3935delinsCA (p.Glu1311fs)

Gene: MSH6 (mutS homolog 6; plus strand). Cytogenetic location: 2p16.3.
Variant type: Indel.
Coding change: c.3933_3935delinsCA on transcript NM_000179.3 (MANE Select); coding-DNA positions 3933 to 3935, AGT replaced by CA.
Protein change: p.Glu1311fs; shifts the reading frame from glutamic acid 1311.
Molecular consequence: frameshift variant.
Genome position (GRCh38, 1-based): chr2:47,806,583-47,806,585, AGT replaced by CA. VCF-style: chr2-47806583-AGT-CA. GRCh37 (hg19) VCF-style: chr2-48033722-AGT-CA.
Other names: c.3543_3545delinsCA, p.Glu1181fs (NM_001281492.2); c.3027_3029delinsCA, p.Glu1009fs (NM_001281493.2, NM_001281494.2); short protein forms E1009fs, E1181fs, E1311fs.
Identifiers: ClinVar variation 925528 (VCV000925528.3), dbSNP rs1670129588, ClinGen allele CA1139656984.